The following is an entry in ClinVar:

ClinVar aggregate classification (germline): Conflicting classifications of pathogenicity. Review status: criteria provided, conflicting classifications (1 of 4 stars). 4 submissions from 4 submitters: Uncertain significance (1); Likely benign (3). Last evaluated 2025-10-15.

Conditions:
PROM1-related disorder. Also called: PROM1-related disorders; PROM1-related condition.

Allele frequency attached by ClinVar (database versions not stated): gnomAD exomes 0.00005 and 0.00010; ExAC 0.00012; 1000 Genomes Project 30x 0.00016; 1000 Genomes Project 0.00020; ESP Exome Variant Server 0.00032; gnomAD 0.00045 and 0.00048; TOPMed 0.00048.
gnomAD v4.1: 140 of 1,613,858 alleles (0.0087%); highest among the groups gnomAD compares: African/African-American, 0.17%; no homozygotes.

Submissions (4):

Labcorp Genetics (formerly Invitae), Labcorp
Classification: Likely benign. Last evaluated: 2025-10-15. Review status: criteria provided, single submitter. Criteria: Invitae Variant Classification Sherloc (09022015). Collection method: clinical testing. Allele origin: germline.

PreventionGenetics, part of Exact Sciences
Classification: Likely benign for PROM1-related condition. Last evaluated: 2025-05-23. Review status: criteria provided, single submitter. Criteria: ACMG Guidelines, 2015. Collection method: clinical testing. Allele origin: germline.
Comment: This variant is classified as likely benign based on ACMG/AMP sequence variant interpretation guidelines (Richards et al. 2015 PMID: 25741868, with internal and published modifications).

Blueprint Genetics
Classification: Likely benign. Last evaluated: 2024-02-27. Review status: criteria provided, single submitter. Criteria: ACMG Guidelines, 2015. Collection method: clinical testing. Allele origin: germline.

Genomic Diagnostic Laboratory, Division of Genomic Diagnostics, Children's Hospital of Philadelphia
Classification: Uncertain significance. Last evaluated: 2015-10-01. Review status: criteria provided, single submitter. Criteria: DGD Variant Analysis Guidelines. Collection method: clinical testing. Allele origin: unknown.

NM_006017.3(PROM1):c.914C>T (p.Pro305Leu)

Gene: PROM1 (prominin 1; minus strand). Cytogenetic location: 4p15.32.
Variant type: single nucleotide variant.
Coding change: c.914C>T on transcript NM_006017.3 (MANE Select); coding-DNA position 914, C replaced by T.
Protein change: p.Pro305Leu; replaces proline 305 with leucine.
Molecular consequence: missense variant.
Genome position (GRCh38, 1-based): chr4:16,018,411, G>A on the plus strand (C>T on the coding strand, the complement: PROM1 is on the minus strand). VCF-style: chr4-16018411-G-A. GRCh37 (hg19) VCF-style: chr4-16020034-G-A.
Other names: c.887C>T, p.Pro296Leu (NM_001145847.2, NM_001145848.2, NM_001145851.2 and 4 more transcripts); c.914C>T, p.Pro305Leu (NM_001145849.2, NM_001145850.2); short protein forms P296L, P305L.
Identifiers: ClinVar variation 252544 (VCV000252544.12), dbSNP rs142245630, ClinGen allele CA2866918.